The following is an entry in ClinVar:

NM_007294.4(BRCA1):c.5072C>A (p.Thr1691Lys)

Gene: BRCA1 (BRCA1 DNA repair associated; minus strand). Cytogenetic location: 17q21.31.
Variant type: single nucleotide variant.
Coding change: c.5072C>A on transcript NM_007294.4 (MANE Select); coding-DNA position 5072, C replaced by A.
Protein change: p.Thr1691Lys; replaces threonine 1691 with lysine.
Molecular consequence: missense variant. On other transcripts: non-coding transcript variant (1).
Genome position (GRCh38, 1-based): chr17:43,067,610, G>T on the plus strand (C>A on the coding strand, the complement: BRCA1 is on the minus strand). VCF-style: chr17-43067610-G-T. GRCh37 (hg19) VCF-style: chr17-41219627-G-T.
Other names: 5191C>A; c.4859C>A, p.Thr1620Lys (NM_001407571.1, NM_001407902.1, NM_001407904.1 and 12 more transcripts); c.5138C>A, p.Thr1713Lys (NM_001407581.1, NM_001407582.1); c.5135C>A, p.Thr1712Lys (NM_001407583.1, NM_001407585.1, NM_001407587.1 and 1 more transcripts); c.5132C>A, p.Thr1711Lys (NM_001407590.1, NM_001407591.1); c.5072C>A, p.Thr1691Lys (NM_001407593.1, NM_001407594.1, NM_001407596.1 and 8 more transcripts); c.5069C>A, p.Thr1690Lys (NM_001407610.1, NM_001407611.1, NM_001407612.1 and 17 more transcripts); c.5066C>A, p.Thr1689Lys (NM_001407630.1, NM_001407631.1, NM_001407632.1 and 14 more transcripts); and 71 more; short protein forms T1691K, T1644K, T1712K, T587K, T1394K, T1537K, T1563K, T1579K.
Identifiers: ClinVar variation 37627 (VCV000037627.29), dbSNP rs80357034, ClinGen allele CA003188.

ClinVar aggregate classification (germline): Pathogenic/Likely pathogenic. Review status: criteria provided, multiple submitters, no conflicts (2 of 4 stars). 9 submissions from 9 submitters: Pathogenic (1); Likely pathogenic (5). 3 of the submissions do not count toward it. Last evaluated 2025-12-02.

Conditions:
Hereditary cancer-predisposing syndrome. Also called: Neoplastic Syndromes, Hereditary; Hereditary neoplastic syndrome; Hereditary Cancer Syndrome; Tumor predisposition. Identifiers: Orphanet 140162, MedGen C0027672, MeSH D009386, MONDO:0015356.
Hereditary breast ovarian cancer syndrome. Also called: Hereditary breast and ovarian cancer syndrome (HBOC); Breast and ovarian cancer; BRCA1- and BRCA2-Associated Hereditary Breast and Ovarian Cancer; Hereditary breast and ovarian cancer syndrome; Hereditary breast and ovarian cancer; Hereditary breast and/or ovarian cancer syndrome. Identifiers: Orphanet 145, MedGen C0677776, MeSH D061325, MONDO:0003582. Disease mechanism: loss of function.
Breast-ovarian cancer, familial, susceptibility to, 1 (BROVCA1). Also called: BRCA1 Hereditary Breast and Ovarian Cancer; OVARIAN CANCER, SUSCEPTIBILITY TO. Identifiers: Orphanet 145, MedGen C2676676, MONDO:0011450, OMIM 604370. Disease mechanism: loss of function.
Familial cancer of breast. Also called: Hereditary breast cancer; hereditary breast carcinoma; BREAST CANCER, FAMILIAL. Identifiers: Orphanet 227535, MedGen C0346153, MONDO:0016419, OMIM 114480. Disease mechanism: loss of function.

Submissions (10):

Labcorp Genetics (formerly Invitae), Labcorp
Classification: Likely pathogenic for Hereditary breast ovarian cancer syndrome. Last evaluated: 2025-12-02. Review status: criteria provided, single submitter. Criteria: Invitae Variant Classification Sherloc (09022015). Collection method: clinical testing. Allele origin: germline.
Comment: This sequence change replaces threonine, which is neutral and polar, with lysine, which is basic and polar, at codon 1691 of the BRCA1 protein (p.Thr1691Lys). This variant is not present in population databases (gnomAD no frequency). This missense change has been observed in individual(s) with a personal and/or family history of breast and/or ovarian cancer (PMID: 22277901, 26757417, 29263802, 29752822, 32072338, 32091409, 33461583, 38167124, 38355628). This variant is also known as 5191C>A. ClinVar contains an entry for this variant (Variation ID: 37627). An algorithm developed to predict the effect of missense changes on protein structure and function (PolyPhen-2) suggests that this variant is likely to be disruptive. Experimental studies have shown that this missense change affects BRCA1 function (PMID: 20516115, 22277901, 28781887, 30209399). In summary, the currently available evidence indicates that the variant is pathogenic, but additional data are needed to prove that conclusively. Therefore, this variant has been classified as Likely Pathogenic.

Ambry Genetics
Classification: Likely pathogenic for Hereditary cancer-predisposing syndrome. Last evaluated: 2025-04-07. Review status: criteria provided, single submitter. Criteria: Ambry Variant Classification Scheme 2023. Collection method: clinical testing. Allele origin: germline.
Comment: The p.T1691K variant (also known as c.5072C>A), located in coding exon 15 of the BRCA1 gene, results from a C to A substitution at nucleotide position 5072. The threonine at codon 1691 is replaced by lysine, an amino acid with similar properties. This alteration has been reported in multiple individuals with personal and/or family history consistent with hereditary breast and ovarian cancer (HBOC) syndrome (Kuo WH et al. J. Hum. Genet., 2012 Feb;57:130-8; Wong ES et al. PLoS ONE, 2015 Jul;10:e0134408; Ng PS et al. Clin. Genet., 2016 Oct;90:315-23). Functional data show that this alteration is defective in many assays including two transcription activation assays, a protein binding assay, a binding specificity assay and a homology-directed repair assay (Lee MS et al. Cancer Res., 2010 Jun;70:4880-90; Kuo WH et al. J. Hum. Genet., 2012 Feb;57:130-8; Woods NT et al. NPJ Genom Med, 2016 Mar;1; Ambry internal data). Based on published literature and internal structural analysis, this variant is anticipated to result in a significant decrease in structural stability (Ambry internal data; Williams RS et al. Nat. Struct. Biol., 2001 Oct;8:838-42; Thouvenot P et al. J. Cell. Sci., 2016 12;129:4366-4378). This amino acid position is highly conserved in available vertebrate species. In addition, this alteration is predicted to be deleterious by in silico analysis. This variant is considered to be rare based on population cohorts in the Genome Aggregation Database (gnomAD). Based on the majority of available evidence to date, this variant is likely to be pathogenic.

Baylor Genetics
Classification: Likely pathogenic for Breast-ovarian cancer, familial, susceptibility to, 1. Last evaluated: 2023-12-12. Review status: criteria provided, single submitter. Criteria: ACMG Guidelines, 2015. Collection method: clinical testing. Allele origin: unknown.

Color Diagnostics, LLC DBA Color Health
Classification: Pathogenic for Hereditary cancer-predisposing syndrome. Last evaluated: 2021-05-07. Review status: criteria provided, single submitter. Criteria: ACMG Guidelines, 2015. Collection method: clinical testing. Allele origin: germline.
Comment: This missense variant replaces threonine with lysine at codon 1691 of the BRCA1 protein. Computational prediction suggests that this variant may have deleterious impact on protein structure and function (internally defined REVEL score threshold >= 0.7, PMID: 27666373). Functional studies have reported that this variant impacts BRCA1 function in transcription activation, haploid cell proliferation, yeast growth inhibition, protease sensitivity, peptide binding and subcellular localization assays (PMID: 20516115, 22277901, 27802165, 28781887, 28961279, 30209399). This variant has been reported in at least six individuals affected with breast and ovarian cancer (PMID: 22277901, 26221963, 26757417, 28188963, 33471991; Leiden Open Variation Database DB-ID BRCA1_000510; Color internal data). This variant has not been identified in the general population by the Genome Aggregation Database (gnomAD). Based on the available evidence, this variant is classified as Pathogenic.

GeneDx
Classification: Likely pathogenic. Last evaluated: 2018-11-02. Review status: criteria provided, single submitter. Criteria: GeneDx Variant Classification (06012015). Collection method: clinical testing. Allele origin: germline. Affected: yes.
Comment: This variant is denoted BRCA1 c.5072C>A at the cDNA level, p.Thr1691Lys (T1691K) at the protein level, and results in the change of a Threonine to a Lysine (ACA>AAA). Using alternate nomenclature, this variant has been previously published as BRCA1 5191C>A. This variant was observed in several women with breast and/or ovarian cancer (Lin 2011, Kuo 2012, Wong 2015, Ng 2016, Chirasophon 2017). In addition, multiple functional studies have demonstrated this variant to have a severe impact on transactivation, protease sensitivity, binding activity and sensitivity, nuclear spot formation, decreased nuclear localization and absence of growth inhibition (Lee 2010, Kuo 2012, Thouvenot 2016, Woods 2016). BRCA1 Thr1691Lys was not observed in large population cohorts (Lek 2016). This variant is located in the BRCT1 domain and within a region known to interact with multiple other proteins (Paul 2014, UniProt). In silico analysis, which includes protein predictors and evolutionary conservation, supports a deleterious effect. Based on currently available evidence, we consider BRCA1 Thr1691Lys to be a likely pathogenic variant.

Juno Genomics, Hangzhou Juno Genomics, Inc
Classification: Likely pathogenic for Breast-ovarian cancer, familial, susceptibility to, 1. Review status: criteria provided, single submitter. Criteria: ACMG Guidelines, 2015. Collection method: clinical testing. Allele origin: germline.
Comment: Absent from controls (or at extremely low frequency if recessive) in Genome Aggregation Database.;Multiple lines of computational evidence support a deleterious effect on the gene or gene product.;Well-established in vitro or in vivo functional studies supportive of a damaging effect on the gene or gene product.

Sharing Clinical Reports Project (SCRP)
Classification: Uncertain significance for Breast-ovarian cancer, familial 1. Last evaluated: 2008-11-20. Review status: no assertion criteria provided. Collection method: clinical testing. Allele origin: germline. Not counted in ClinVar's aggregate classification.

Breast Cancer Information Core (BIC) (BRCA1)
Classification: Uncertain significance for Breast-ovarian cancer, familial 1. Last evaluated: 2004-11-25. Review status: no assertion criteria provided. Collection method: clinical testing. Allele origin: germline. Affected: yes. Observed: 1 variant allele. Not counted in ClinVar's aggregate classification.

Brotman Baty Institute, University of Washington
No classification provided (evidence only). Condition: Breast-ovarian cancer, familial 1. Review status: no classification provided. Collection method: in vitro. Allele origin: not applicable. Functional consequence: functionally_abnormal. Not counted in ClinVar's aggregate classification.
ClinVar note: "not provided" was previously submitted as the classification for the variant. However, the classification appeared to be based only on an observation of functional data so it was converted to no classification on 2025-07-30.

Center for Precision Medicine, Meizhou People's Hospital
Classification: Likely pathogenic for Familial cancer of breast. Review status: no assertion criteria provided. Collection method: literature only. Allele origin: germline. Affected: yes. Not counted in ClinVar's aggregate classification.

Literature cited by the submitters: PubMed 22277901 (cited by Labcorp Genetics (formerly Invitae), Labcorp and Ambry Genetics); PubMed 26757417 (cited by Labcorp Genetics (formerly Invitae), Labcorp and Ambry Genetics); PubMed 29263802 (cited by Labcorp Genetics (formerly Invitae), Labcorp); PubMed 29752822 (cited by Labcorp Genetics (formerly Invitae), Labcorp and Ambry Genetics); PubMed 32072338 (cited by Labcorp Genetics (formerly Invitae), Labcorp); PubMed 32091409 (cited by Labcorp Genetics (formerly Invitae), Labcorp); PubMed 33461583 (cited by Labcorp Genetics (formerly Invitae), Labcorp); PubMed 38167124 (cited by Labcorp Genetics (formerly Invitae), Labcorp); PubMed 38355628 (cited by Labcorp Genetics (formerly Invitae), Labcorp); PubMed 20516115 (cited by 3 submitters); PubMed 28781887 (cited by Labcorp Genetics (formerly Invitae), Labcorp and Ambry Genetics); PubMed 30209399 (cited by Labcorp Genetics (formerly Invitae), Labcorp and Ambry Genetics); PubMed 11573086 (cited by Ambry Genetics); PubMed 25724305 (cited by Ambry Genetics); PubMed 26221963 (cited by Ambry Genetics and Center for Precision Medicine, Meizhou People's Hospital); PubMed 27802165 (cited by Ambry Genetics); PubMed 28961279 (cited by Ambry Genetics); PubMed 31815095 (cited by Ambry Genetics).